The following is an entry in ClinVar:

ClinVar aggregate classification (germline): Uncertain significance. Review status: criteria provided, multiple submitters, no conflicts (2 of 4 stars). 3 submissions from 3 submitters: Uncertain significance (3). Last evaluated 2025-08-20.

Allele frequency attached by ClinVar (database versions not stated): gnomAD 0.00001; gnomAD exomes 0.00002; TOPMed 0.00002; ExAC 0.00003.

Submissions (3):

Ambry Genetics
Classification: Uncertain significance. Last evaluated: 2025-08-20. Review status: criteria provided, single submitter. Criteria: Ambry Variant Classification Scheme 2023. Collection method: clinical testing. Allele origin: germline.

Labcorp Genetics (formerly Invitae), Labcorp
Classification: Uncertain significance. Last evaluated: 2021-08-24. Review status: criteria provided, single submitter. Criteria: Invitae Variant Classification Sherloc (09022015). Collection method: clinical testing. Allele origin: germline.
Comment: This sequence change replaces arginine with tryptophan at codon 160 of the DHX38 protein (p.Arg160Trp). The arginine residue is highly conserved and there is a moderate physicochemical difference between arginine and tryptophan. This variant is present in population databases (rs772921146, ExAC 0.006%). This variant has not been reported in the literature in individuals affected with DHX38-related conditions. Algorithms developed to predict the effect of missense changes on protein structure and function are either unavailable or do not agree on the potential impact of this missense change (SIFT: "Deleterious"; PolyPhen-2: "Benign"; Align-GVGD: "Class C65"). In summary, the available evidence is currently insufficient to determine the role of this variant in disease. Therefore, it has been classified as a Variant of Uncertain Significance.

Blueprint Genetics
Classification: Uncertain significance. Last evaluated: 2021-01-15. Review status: criteria provided, single submitter. Criteria: ACMG Guidelines, 2015. Collection method: clinical testing. Allele origin: germline.

NM_014003.4(DHX38):c.478C>T (p.Arg160Trp)

Gene: DHX38 (DEAH-box helicase 38; plus strand). Cytogenetic location: 16q22.2.
Variant type: single nucleotide variant.
Coding change: c.478C>T on transcript NM_014003.4 (MANE Select); coding-DNA position 478, C replaced by T.
Protein change: p.Arg160Trp; replaces arginine 160 with tryptophan.
Molecular consequence: missense variant.
Genome position (GRCh38, 1-based): chr16:72,096,976, C>T. VCF-style: chr16-72096976-C-T. GRCh37 (hg19) VCF-style: chr16-72130875-C-T.
Other names: c.478C>T (NM_014003.3); short protein forms R160W.
Identifiers: ClinVar variation 1059311 (VCV001059311.9), dbSNP rs772921146, ClinGen allele CA8159975.